The following is an entry in ClinVar:

ClinVar aggregate classification (germline): Uncertain significance (0 of 4 stars; one submission).

Conditions:
BBS9-related disorder. Also called: BBS9-related condition.

Submission:

PreventionGenetics, part of Exact Sciences
Classification: Uncertain significance for BBS9-related condition. Last evaluated: 2024-06-27. Review status: no assertion criteria provided. Collection method: clinical testing. Allele origin: germline.
Comment: The BBS9 c.2641A>G variant is predicted to result in the amino acid substitution p.Thr881Ala. To our knowledge, this variant has not been reported in the literature or in a large population database, indicating this variant is rare. At this time, the clinical significance of this variant is uncertain due to the absence of conclusive functional and genetic evidence.

NM_001348041.4(BBS9):c.2641A>G (p.Thr881Ala)

Gene: BBS9 (Bardet-Biedl syndrome 9; plus strand). Cytogenetic location: 7p14.3.
Variant type: single nucleotide variant.
Coding change: c.2641A>G on transcript NM_001348041.4; coding-DNA position 2641, A replaced by G.
Protein change: p.Thr881Ala; replaces threonine 881 with alanine.
Molecular consequence: missense variant.
Genome position (GRCh38, 1-based): chr7:33,635,185, A>G. VCF-style: chr7-33635185-A-G. GRCh37 (hg19) VCF-style: chr7-33674797-A-G.
Other names: c.2530A>G, p.Thr844Ala (NM_001362679.1); short protein forms T844A, T881A.
Identifiers: ClinVar variation 3345905 (VCV003345905.1).